The following is an entry in ClinVar:

NM_001267550.2(TTN):c.107681-4_107710del

Genes: TTN (titin; minus strand), TTN-AS1 (TTN antisense RNA 1; plus strand). Cytogenetic location: 2q31.2.
Variant type: Deletion.
Coding change: c.107681-4_107710del on transcript NM_001267550.2 (MANE Select); 4 bases into the intron before coding-DNA position 107681 through coding-DNA position 107710, 34 bases deleted.
Molecular consequence: splice acceptor variant.
Genome position (GRCh38, 1-based): chr2:178,527,278-178,527,311, 34 bases deleted; deleting any 34 consecutive bases within chr2:178,527,278-178,527,317 gives the same sequence; the c. name uses the placement nearest the transcript's 3' end. GRCh37 (hg19): chr2:179,392,011-179,392,044.
Other names: c.99977-4_100006del34 (NM_133378.4); c.99977-4_100006del (NM_133378.4); c.80486-4_80515del (NM_003319.4); c.81062-4_81091del (NM_133437.4); c.80861-4_80890del (NM_133432.3); c.102758-4_102787del (NM_001256850.1).
Identifiers: ClinVar variation 503512 (VCV000503512.1), dbSNP rs1553476928, ClinGen allele CA658795971.

ClinVar aggregate classification (germline): Likely pathogenic (1 of 4 stars; one submission).

Submission:

GeneDx
Classification: Likely pathogenic. Last evaluated: 2016-06-20. Review status: criteria provided, single submitter. Criteria: GeneDx Variant Classification (06012015). Collection method: clinical testing. Allele origin: germline. Affected: yes.
Comment: The c.99977-4_100006del34 variant in the TTN gene has not been reported previously as a pathogenic variant nor as a benign variant, to our knowledge. This variant is predicted to destroy the canonical splice acceptor site of intron 311, and is expected to cause abnormal gene splicing. The c.99977-4_100006del34 variant was not observed in approximately 5900 individuals of European and African American ancestry in the NHLBI Exome Sequencing Project, indicating it is not a common benign variant in these populations. The c.99977-4_100006del34 variant is a strong candidate for a pathogenic vairant, however the possibility it may be a rare benign variant cannot be excluded.